The following is an entry in ClinVar:

ClinVar aggregate classification (germline): Uncertain significance (1 of 4 stars; one submission).

Conditions:
Alpha thalassemia-X-linked intellectual disability syndrome (ATRX). Also called: ALPHA-THALASSEMIA/MENTAL RETARDATION SYNDROME, X-LINKED; ATR, NONDELETION TYPE; ATR-X syndrome; Alpha thalassemia mental retardation syndrome, nondeletion type, X-linked; XLMR hypotonic face syndrome; X-linked alpha-thalassemia-mental retardation syndrome. Identifiers: Orphanet 847, MedGen C1845055, MONDO:0010519, OMIM 301040.

Submission:

Labcorp Genetics (formerly Invitae), Labcorp
Classification: Uncertain significance for Alpha thalassemia-X-linked intellectual disability syndrome. Last evaluated: 2022-11-03. Review status: criteria provided, single submitter. Criteria: Invitae Variant Classification Sherloc (09022015). Collection method: clinical testing. Allele origin: germline.
Comment: This sequence change replaces threonine, which is neutral and polar, with asparagine, which is neutral and polar, at codon 65 of the ATRX protein (p.Thr65Asn). This variant is not present in population databases (gnomAD no frequency). This variant has not been reported in the literature in individuals affected with ATRX-related conditions. Advanced modeling of protein sequence and biophysical properties (such as structural, functional, and spatial information, amino acid conservation, physicochemical variation, residue mobility, and thermodynamic stability) performed at Invitae indicates that this missense variant is not expected to disrupt ATRX protein function. In summary, the available evidence is currently insufficient to determine the role of this variant in disease. Therefore, it has been classified as a Variant of Uncertain Significance.

NM_000489.6(ATRX):c.194C>A (p.Thr65Asn)

Gene: ATRX (ATRX chromatin remodeler; minus strand). Cytogenetic location: Xq21.1.
Variant type: single nucleotide variant.
Coding change: c.194C>A on transcript NM_000489.6 (MANE Select); coding-DNA position 194, C replaced by A.
Protein change: p.Thr65Asn; replaces threonine 65 with asparagine.
Molecular consequence: missense variant.
Genome position (GRCh38, 1-based): chrX:77,697,631, G>T on the plus strand (C>A on the coding strand, the complement: ATRX is on the minus strand). VCF-style: chrX-77697631-G-T. GRCh37 (hg19) VCF-style: chrX-76953119-G-T.
Other names: c.194C>A, p.Thr65Asn (NM_138270.5); short protein forms T65N.
Identifiers: ClinVar variation 2093178 (VCV002093178.4), dbSNP rs2148681705, ClinGen allele CA413724335.